The following is an entry in ClinVar:

NM_005267.5(GJA8):c.191T>G (p.Val64Gly)

Gene: GJA8 (gap junction protein alpha 8; plus strand). Cytogenetic location: 1q21.2.
Variant type: single nucleotide variant.
Coding change: c.191T>G on transcript NM_005267.5 (MANE Select); coding-DNA position 191, T replaced by G.
Protein change: p.Val64Gly; replaces valine 64 with glycine.
Molecular consequence: missense variant.
Genome position (GRCh38, 1-based): chr1:147,908,146, T>G. VCF-style: chr1-147908146-T-G. GRCh37 (hg19) VCF-style: chr1-147380273-T-G.
Other names: short protein forms V64G.
Identifiers: ClinVar variation 3253721 (VCV003253721.1), dbSNP rs2524889379.

ClinVar aggregate classification (germline): Uncertain significance (1 of 4 stars; one submission).

Conditions:
Cataract 1 multiple types. Also called: CATARACT, DUFFY-LINKED; CATARACT 1, POSTERIOR SUBCAPSULAR, WITH MICROCORNEA; CATARACT 1, STELLATE NUCLEAR, WITH MICROCORNEA; CATARACT 1, MULTIPLE TYPES, WITH OR WITHOUT MICROCORNEA; CATARACT 1, NUCLEAR PROGRESSIVE; CATARACT 1 WITH MICROCORNEA. Identifiers: Orphanet 1377, MedGen C1861828, MONDO:0007285, OMIM 116200.

Submission:

Dept. Genetics and Cancer, Menzies Institute for Medical Research, University of Tasmania
Classification: Uncertain significance for Cataract 1 multiple types. Last evaluated: 2023-01-21. Review status: criteria provided, single submitter. Criteria: ACMG Guidelines, 2015. Collection method: curation. Allele origin: germline. Affected: yes.
Comment: Variant identified and curated during a GJA8 specific review of the literature in relation to pediatric or congenital cataract. ACMG-AMP criteria applied: PP1(Moderate), PM1(Supporting), PM2(Supporting), PP3. Original variant report: PMID:16234473. The cataract phenotype reported for this variant is: Nuclear. Gene review and curation guidelines are outlined in: DOI 10.1080/17469899.2023.2160320

Literature cited by the submitters: PubMed 16234473.